The following is an entry in ClinVar:

ClinVar aggregate classification (germline): Uncertain significance (1 of 4 stars; one submission).

Conditions:
Ciliary dyskinesia, primary, 37 (CILD37). Also called: CILIARY DYSKINESIA, PRIMARY, 37, WITH OR WITHOUT SITUS INVERSUS. Identifiers: MedGen C4539798, MONDO:0033204, OMIM 617577.
Spermatogenic failure 18. Identifiers: MedGen C4539783, MONDO:0054615, OMIM 617576.

Allele frequency attached by ClinVar (database versions not stated): TOPMed 0.00002; gnomAD 0.00004; gnomAD exomes 0.00005 and 0.00007; ExAC 0.00007; ESP Exome Variant Server 0.00032.
gnomAD v4.1: 88 of 1,613,846 alleles (0.0055%); highest among the groups gnomAD compares: Non-Finnish European, 0.0052%; 1 homozygote.

Submission:

Labcorp Genetics (formerly Invitae), Labcorp
Classification: Uncertain significance for Ciliary dyskinesia, primary, 37; Spermatogenic failure 18. Last evaluated: 2021-08-27. Review status: criteria provided, single submitter. Criteria: Invitae Variant Classification Sherloc (09022015). Collection method: clinical testing. Allele origin: germline.
Comment: This sequence change replaces isoleucine with threonine at codon 803 of the DNAH1 protein (p.Ile803Thr). The isoleucine residue is highly conserved and there is a moderate physicochemical difference between isoleucine and threonine. This variant is present in population databases (rs201989206, ExAC 0.02%). This variant has not been reported in the literature in individuals affected with DNAH1-related conditions. Algorithms developed to predict the effect of missense changes on protein structure and function are either unavailable or do not agree on the potential impact of this missense change (SIFT: "Deleterious"; PolyPhen-2: "Possibly Damaging"; Align-GVGD: "Class C0"). In summary, the available evidence is currently insufficient to determine the role of this variant in disease. Therefore, it has been classified as a Variant of Uncertain Significance.

NM_015512.5(DNAH1):c.2408T>C (p.Ile803Thr)

Gene: DNAH1 (dynein axonemal heavy chain 1; plus strand). Cytogenetic location: 3p21.1.
Variant type: single nucleotide variant.
Coding change: c.2408T>C on transcript NM_015512.5 (MANE Select); coding-DNA position 2408, T replaced by C.
Protein change: p.Ile803Thr; replaces isoleucine 803 with threonine.
Molecular consequence: missense variant.
Genome position (GRCh38, 1-based): chr3:52,349,302, T>C. VCF-style: chr3-52349302-T-C. GRCh37 (hg19) VCF-style: chr3-52383318-T-C.
Other names: short protein forms I803T.
Identifiers: ClinVar variation 577207 (VCV000577207.4), dbSNP rs201989206, ClinGen allele CA2433247.